The following is an entry in ClinVar:

ClinVar aggregate classification (germline): Benign (1 of 4 stars; one submission).

Allele frequency attached by ClinVar (database versions not stated): 1000 Genomes Project 0.49261; 1000 Genomes Project 30x 0.49532; TOPMed 0.54621; gnomAD 0.55645 and 0.56299.
gnomAD v4.1: 84,461 of 152,014 alleles (56%); highest among the groups gnomAD compares: African/African-American, 62%; 23,706 homozygotes.

Submission:

GeneDx
Classification: Benign. Last evaluated: 2018-06-19. Review status: criteria provided, single submitter. Criteria: GeneDx Variant Classification (06012015). Collection method: clinical testing. Allele origin: germline. Affected: yes.
Comment: This variant is considered likely benign or benign based on one or more of the following criteria: it is a conservative change, it occurs at a poorly conserved position in the protein, it is predicted to be benign by multiple in silico algorithms, and/or has population frequency not consistent with disease.

NM_000350.3(ABCA4):c.4352+168A>G

Gene: ABCA4 (ATP binding cassette subfamily A member 4; minus strand). Cytogenetic location: 1p22.1.
Variant type: single nucleotide variant.
Coding change: c.4352+168A>G on transcript NM_000350.3 (MANE Select); 168 bases into the intron after coding-DNA position 4352, A replaced by G.
Molecular consequence: intron variant.
Genome position (GRCh38, 1-based): chr1:94,030,260, T>C on the plus strand (A>G on the coding strand, the complement: ABCA4 is on the minus strand). VCF-style: chr1-94030260-T-C. GRCh37 (hg19) VCF-style: chr1-94495816-T-C.
Identifiers: ClinVar variation 678759 (VCV000678759.1), dbSNP rs4147843, ClinGen allele CA15114432.